The following is an entry in ClinVar:

ClinVar aggregate classification (germline): Uncertain significance. Review status: criteria provided, multiple submitters, no conflicts (2 of 4 stars). 2 submissions from 2 submitters: Uncertain significance (2). Last evaluated 2025-08-24.

Conditions:
Inborn genetic diseases. Identifiers: MedGen C0950123, MeSH D030342.

Allele frequency attached by ClinVar (database versions not stated): gnomAD exomes below 0.00001; TOPMed below 0.00001; gnomAD 0.00002 and 0.00003.
gnomAD v4.1: 4 of 1,614,064 alleles (0.00025%); highest among the groups gnomAD compares: African/African-American, 0.004%; no homozygotes.

Submissions (2):

Ambry Genetics
Classification: Uncertain significance for Inborn genetic diseases. Last evaluated: 2025-08-24. Review status: criteria provided, single submitter. Criteria: Ambry Variant Classification Scheme 2023. Collection method: clinical testing. Allele origin: germline.

GeneDx
Classification: Uncertain significance. Last evaluated: 2019-11-13. Review status: criteria provided, single submitter. Criteria: GeneDx Variant Classification Process June 2021. Collection method: clinical testing. Allele origin: germline. Affected: yes.
Comment: Not observed at a significant frequency in large population cohorts (Lek et al., 2016); In silico analysis, which includes protein predictors and evolutionary conservation, supports a deleterious effect; Has not been previously published as pathogenic or benign to our knowledge

NM_002291.3(LAMB1):c.4310C>G (p.Ala1437Gly)

Gene: LAMB1 (laminin subunit beta 1; minus strand). Cytogenetic location: 7q31.1.
Variant type: single nucleotide variant.
Coding change: c.4310C>G on transcript NM_002291.3 (MANE Select); coding-DNA position 4310, C replaced by G.
Protein change: p.Ala1437Gly; replaces alanine 1437 with glycine.
Molecular consequence: missense variant.
Genome position (GRCh38, 1-based): chr7:107,932,256, G>C on the plus strand (C>G on the coding strand, the complement: LAMB1 is on the minus strand). VCF-style: chr7-107932256-G-C. GRCh37 (hg19) VCF-style: chr7-107572701-G-C.
Other names: short protein forms A1437G.
Identifiers: ClinVar variation 1310178 (VCV001310178.3), dbSNP rs978244314, ClinGen allele CA164269185.